The following is an entry in ClinVar:

NM_001807.6(CEL):c.1809dup (p.Val604fs)

Gene: CEL (carboxyl ester lipase; plus strand). Cytogenetic location: 9q34.13.
Variant type: Duplication.
Coding change: c.1809dup on transcript NM_001807.6 (MANE Select); coding-DNA position 1809, one base duplicated (C; older notation c.1809dupC).
Protein change: p.Val604fs; shifts the reading frame from valine 604.
Molecular consequence: frameshift variant.
Genome position (GRCh38, 1-based): chr9:133,071,311, C duplicated; the last of 8 consecutive C bases (chr9:133,071,304-133,071,311); duplicating any one gives the same sequence. VCF-style (leftmost placement, unchanged base first): chr9-133071303-G-GC. GRCh37 (hg19) VCF-style: chr9-135946690-G-GC.
Other names: short protein forms V604fs.
Identifiers: ClinVar variation 4883876 (VCV004883876.2).

ClinVar aggregate classification (germline): Uncertain significance (1 of 4 stars; one submission).

Conditions:
Maturity-onset diabetes of the young type 8 (MODY8). Also called: DIABETES AND PANCREATIC EXOCRINE DYSFUNCTION; DIABETES-PANCREATIC EXOCRINE DYSFUNCTION SYNDROME. Identifiers: Orphanet 552, MedGen C1853297, MONDO:0012348, OMIM 609812.

Submission:

Dasa
Classification: Uncertain significance for Maturity-onset diabetes of the young type 8. Last evaluated: 2026-01-21. Review status: criteria provided, single submitter. Criteria: DASA Assertion Criteria. Collection method: clinical testing. Allele origin: germline.
Comment: NM_001807.6(CEL):c.1809dup (p.Val604Argfs*6) is a frameshift variant in CEL predicted to alter the reading frame and introduce a premature termination codon and is predicted to result in an absent or altered protein product. This variant is rare in population databases. The currently available literature and clinical evidence are not sufficient to establish a definitive association between this variant and the reported condition. Therefore, this variant is classified as a variant of uncertain significance.